The following is an entry in ClinVar:

ClinVar aggregate classification (germline): Uncertain significance (1 of 4 stars; one submission).

Conditions:
Hereditary cancer-predisposing syndrome. Also called: Neoplastic Syndromes, Hereditary; Hereditary neoplastic syndrome; Tumor predisposition; Hereditary Cancer Syndrome. Identifiers: Orphanet 140162, MedGen C0027672, MeSH D009386, MONDO:0015356.

Submission:

Ambry Genetics
Classification: Uncertain significance for Hereditary cancer-predisposing syndrome. Last evaluated: 2026-02-15. Review status: criteria provided, single submitter. Criteria: Ambry Variant Classification Scheme 2023. Collection method: clinical testing. Allele origin: germline.
Comment: The p.D277N variant (also known as c.829G>A), located in coding exon 5 of the MSH3 gene, results from a G to A substitution at nucleotide position 829. The aspartic acid at codon 277 is replaced by asparagine, an amino acid with highly similar properties. This amino acid position is conserved. In addition, this alteration is predicted to be tolerated by in silico analysis. Based on the available evidence, the clinical significance of this variant remains unclear.

NM_002439.5(MSH3):c.829G>A (p.Asp277Asn)

Gene: MSH3 (mutS homolog 3; plus strand). Cytogenetic location: 5q14.1.
Variant type: single nucleotide variant.
Coding change: c.829G>A on transcript NM_002439.5 (MANE Select); coding-DNA position 829, G replaced by A.
Protein change: p.Asp277Asn; replaces aspartic acid 277 with asparagine.
Molecular consequence: missense variant.
Genome position (GRCh38, 1-based): chr5:80,672,280, G>A. VCF-style: chr5-80672280-G-A. GRCh37 (hg19) VCF-style: chr5-79968099-G-A.
Other names: short protein forms D277N.
Identifiers: ClinVar variation 4824387 (VCV004824387.1).
Genomic context (GRCh38, chr5:80,672,280, plus strand): 5'-ATATTTTCTTTTTTCATTTTTTAGATTGCAGCCCGAGAGCTCAATATTTATTGCCATTTA[G>A]ATCACAACTTTATGACAGCAAGTATACCTACTCACAGACTGTTTGTTCATGTACGCCGCC-3'
Protein context (NP_002430.3, residues 267-287): ARELNIYCHL[Asp277Asn]HNFMTASIPT